The following is an entry in ClinVar:

NM_001384732.1(CPLANE1):c.3672G>A (p.Lys1224=)

Gene: CPLANE1 (ciliogenesis and planar polarity effector complex subunit 1; minus strand). Cytogenetic location: 5p13.2.
Variant type: single nucleotide variant.
Coding change: c.3672G>A on transcript NM_001384732.1 (MANE Select); coding-DNA position 3672, G replaced by A.
Protein change: p.Lys1224=; no amino-acid change (lysine 1224 retained).
Molecular consequence: synonymous variant.
Genome position (GRCh38, 1-based): chr5:37,198,702, C>T on the plus strand (G>A on the coding strand, the complement: CPLANE1 is on the minus strand). VCF-style: chr5-37198702-C-T. GRCh37 (hg19) VCF-style: chr5-37198804-C-T.
Other names: c.3672G>A, p.Lys1224= (NM_023073.4).
Identifiers: ClinVar variation 1306029 (VCV001306029.3), dbSNP rs1220560319, ClinGen allele CA443927411.

ClinVar aggregate classification (germline): Likely pathogenic (1 of 4 stars; one submission).

Allele frequency attached by ClinVar (database versions not stated): gnomAD exomes below 0.00001; gnomAD 0.00001 and 0.00002; TOPMed below 0.00001.
gnomAD v4.1: 4 of 1,612,092 alleles (0.00025%); highest among the groups gnomAD compares: African/African-American, 0.004%; no homozygotes.

Submission:

GeneDx
Classification: Likely pathogenic. Last evaluated: 2025-06-09. Review status: criteria provided, single submitter. Criteria: GeneDx Variant Classification Process June 2021. Collection method: clinical testing. Allele origin: germline. Affected: yes.
Comment: Not observed at significant frequency in large population cohorts (gnomAD); In silico analysis supports a deleterious effect on splicing; Has not been previously published as pathogenic or benign to our knowledge